The following is an entry in ClinVar:

NM_004448.4(ERBB2):c.3470T>G (p.Leu1157Arg)

Gene: ERBB2 (erb-b2 receptor tyrosine kinase 2; plus strand). Cytogenetic location: 17q12.
Variant type: single nucleotide variant.
Coding change: c.3470T>G on transcript NM_004448.4 (MANE Select); coding-DNA position 3470, T replaced by G.
Protein change: p.Leu1157Arg; replaces leucine 1157 with arginine.
Molecular consequence: missense variant. On other transcripts: 3 prime UTR variant (2), non-coding transcript variant (1).
Genome position (GRCh38, 1-based): chr17:39,727,746, T>G. VCF-style: chr17-39727746-T-G. GRCh37 (hg19) VCF-style: chr17-37883999-T-G.
Other names: c.3380T>G, p.Leu1127Arg (NM_001005862.3, NM_001382782.1, NM_001382783.1); c.3425T>G, p.Leu1142Arg (NM_001289936.2); c.*49T>G (NM_001289937.2, NM_001382803.1); c.3587T>G, p.Leu1196Arg (NM_001382784.1); c.3572T>G, p.Leu1191Arg (NM_001382785.1); c.3551T>G, p.Leu1184Arg (NM_001382786.1); c.3545T>G, p.Leu1182Arg (NM_001382787.1); c.3500T>G, p.Leu1167Arg (NM_001382788.1); and 16 more; short protein forms L1089R, L1142R, L1167R, L1184R, L1196R, L1071R, L1097R, L1105R.
Identifiers: ClinVar variation 2169163 (VCV002169163.28), dbSNP rs757037466, ClinGen allele CA8534569.

ClinVar aggregate classification (germline): Conflicting classifications of pathogenicity. Review status: criteria provided, conflicting classifications (1 of 4 stars). 2 submissions from 2 submitters: Uncertain significance (1); Likely benign (1). Last evaluated 2025-01-17.

Allele frequency attached by ClinVar (database versions not stated): gnomAD 0.00007; gnomAD exomes 0.00007; ExAC 0.00008; TOPMed 0.00009.
gnomAD v4.1: 106 of 1,595,710 alleles (0.0066%); highest among the groups gnomAD compares: Non-Finnish European, 0.0087%; no homozygotes.

Submissions (2):

Labcorp Genetics (formerly Invitae), Labcorp
Classification: Uncertain significance. Last evaluated: 2025-01-17. Review status: criteria provided, single submitter. Criteria: Invitae Variant Classification Sherloc (09022015). Collection method: clinical testing. Allele origin: germline.
Comment: This sequence change replaces leucine, which is neutral and non-polar, with arginine, which is basic and polar, at codon 1157 of the ERBB2 protein (p.Leu1157Arg). This variant is present in population databases (rs757037466, gnomAD 0.01%). This variant has not been reported in the literature in individuals affected with ERBB2-related conditions. ClinVar contains an entry for this variant (Variation ID: 2169163). An algorithm developed to predict the effect of missense changes on protein structure and function outputs the following: PolyPhen-2: "Benign". The arginine amino acid residue is found in multiple mammalian species, which suggests that this missense change does not adversely affect protein function. Experimental studies have shown that this missense change affects ERBB2 function (PMID: 32366937). In summary, the available evidence is currently insufficient to determine the role of this variant in disease. Therefore, it has been classified as a Variant of Uncertain Significance.

CeGaT Center for Human Genetics Tuebingen
Classification: Likely benign. Last evaluated: 2022-09-01. Review status: criteria provided, single submitter. Criteria: CeGaT Center For Human Genetics Tuebingen Variant Classification Criteria Version 2. Collection method: clinical testing. Allele origin: germline. Affected: yes. Observed: 1 variant allele.
Comment: ERBB2: BP4

Literature cited by the submitters: PubMed 32366937 (cited by Labcorp Genetics (formerly Invitae), Labcorp).